The following is an entry in ClinVar:

ClinVar aggregate classification (germline): Conflicting classifications of pathogenicity. Review status: criteria provided, conflicting classifications (1 of 4 stars). 9 submissions from 9 submitters: Uncertain significance (4); Benign (1); Likely benign (3). 1 of the submissions does not count toward it. Last evaluated 2026-01-18.

Conditions:
Hereditary cancer-predisposing syndrome. Also called: Tumor predisposition; Hereditary neoplastic syndrome; Neoplastic Syndromes, Hereditary; Hereditary Cancer Syndrome. Identifiers: Orphanet 140162, MedGen C0027672, MeSH D009386, MONDO:0015356.
Tuberous sclerosis syndrome (TSC). Also called: Tuberous sclerosis; Tuberous Sclerosis Complex. Identifiers: Orphanet 805, MedGen C0041341, MONDO:0001734.
Tuberous sclerosis 2 (TSC2). Identifiers: Orphanet 805, MedGen C1860707, MONDO:0013199, OMIM 613254.

Allele frequency attached by ClinVar (database versions not stated): ExAC 0.00003; gnomAD exomes 0.00003.
gnomAD v4.1: 24 of 1,612,878 alleles (0.0015%); highest among the groups gnomAD compares: Admixed American, 0.0067%; no homozygotes.

Submissions (9):

Labcorp Genetics (formerly Invitae), Labcorp
Classification: Benign for Tuberous sclerosis 2. Last evaluated: 2026-01-18. Review status: criteria provided, single submitter. Criteria: Invitae Variant Classification Sherloc (09022015). Collection method: clinical testing. Allele origin: germline.

Quest Diagnostics Nichols Institute San Juan Capistrano
Classification: Uncertain significance. Last evaluated: 2024-09-21. Review status: criteria provided, single submitter. Criteria: Quest Diagnostics criteria. Collection method: clinical testing. Allele origin: unknown.
Comment: The TSC2 c.1600G>T (p.Val534Leu) variant has been reported in the published literature in an individual with an undescribed endocrine abnormality (PMID: 26633542 (2016)) and was identified in a low-grade oncocytic tumor of the kidney (PMIDs: 36208048 (2023), 34802045 (2022)). The frequency of this variant in the general population, 0.00012 (4/34592 chromosomes in Admixed American subpopulation (Genome Aggregation Database)), is higher than would generally be expected for pathogenic variants in this gene. Analysis of this variant using bioinformatics tools for the prediction of the effect of amino acid changes on protein structure and function yielded predictions that this variant is damaging. Additional analysis of this variant using software algorithms for the prediction of the effect of nucleotide changes on splicing yielded predictions that this variant may affect proper TSC2 mRNA splicing. Based on the available information, we are unable to determine the clinical significance of this variant.

All of Us Research Program, National Institutes of Health
Classification: Likely benign for Tuberous sclerosis syndrome. Last evaluated: 2023-06-26. Review status: criteria provided, single submitter. Criteria: ACMG Guidelines, 2015. Collection method: clinical testing. Allele origin: germline. Inheritance: Autosomal dominant inheritance. Observed: 3 variant alleles, 3 heterozygotes.
Comment: This study involves interpretation of variants in research participants for the purpose of population health screening. Participant phenotype was not available at the time of variant classification. Additional details can be found in publication PMID: 35346344, PMCID: PMC8962531

Color Diagnostics, LLC DBA Color Health
Classification: Likely benign for Tuberous sclerosis syndrome. Last evaluated: 2022-08-16. Review status: criteria provided, single submitter. Criteria: ACMG Guidelines, 2015. Collection method: clinical testing. Allele origin: germline.

Ambry Genetics
Classification: Likely benign for Hereditary cancer-predisposing syndrome. Last evaluated: 2022-07-27. Review status: criteria provided, single submitter. Criteria: Ambry Variant Classification Scheme 2023. Collection method: clinical testing. Allele origin: germline.

Genome-Nilou Lab
Classification: Uncertain significance for Tuberous sclerosis 2. Last evaluated: 2021-11-07. Review status: criteria provided, single submitter. Criteria: ACMG Guidelines, 2015. Collection method: clinical testing. Allele origin: germline. Affected: no.

Institute for Clinical Genetics, University Hospital TU Dresden, University Hospital TU Dresden
Classification: Uncertain significance. Last evaluated: 2021-11-03. Review status: criteria provided, single submitter. Criteria: ACMG Guidelines, 2015. Collection method: clinical testing. Allele origin: germline.

Illumina Laboratory Services, Illumina
Classification: Uncertain significance for Tuberous sclerosis syndrome. Last evaluated: 2017-04-27. Review status: criteria provided, single submitter. Criteria: ICSL Variant Classification Criteria 13 December 2019. Collection method: clinical testing. Allele origin: germline.

ITMI
No classification provided. Condition: AllHighlyPenetrant. Last evaluated: 2013-09-19. Review status: no classification provided. Collection method: reference population. Allele origin: germline. Not counted in ClinVar's aggregate classification.
Comment: Please see associated publication for description of ethnicities

Literature cited by the submitters: PubMed 26633542 (cited by Quest Diagnostics Nichols Institute San Juan Capistrano and Ambry Genetics); PubMed 24728327 (cited by 3 submitters); PubMed 31484976 (cited by Quest Diagnostics Nichols Institute San Juan Capistrano); PubMed 36208048 (cited by Quest Diagnostics Nichols Institute San Juan Capistrano); PubMed 34802045 (cited by Quest Diagnostics Nichols Institute San Juan Capistrano).

NM_000548.5(TSC2):c.1600G>T (p.Val534Leu)

Gene: TSC2 (TSC complex subunit 2; plus strand). Cytogenetic location: 16p13.3.
Variant type: single nucleotide variant.
Coding change: c.1600G>T on transcript NM_000548.5 (MANE Select); coding-DNA position 1600, G replaced by T.
Protein change: p.Val534Leu; replaces valine 534 with leucine.
Molecular consequence: missense variant.
Genome position (GRCh38, 1-based): chr16:2,065,519, G>T. VCF-style: chr16-2065519-G-T. GRCh37 (hg19) VCF-style: chr16-2115520-G-T.
Other names: c.1600G>T, p.Val534Leu (NM_001077183.3, NM_001114382.3, NM_001363528.2 and 3 more transcripts); c.1489G>T, p.Val497Leu (NM_001318827.2); c.1453G>T, p.Val485Leu (NM_001318829.2); c.1000G>T, p.Val334Leu (NM_001318831.2); c.1633G>T, p.Val545Leu (NM_001318832.2); short protein forms V534L, V497L, V545L, V334L, V485L.
Identifiers: ClinVar variation 135371 (VCV000135371.28), dbSNP rs587778729, ClinGen allele CA015286.
Genomic context (GRCh38, chr16:2,065,519, plus strand): 5'-CTCACGGCTGCTGACTCAGAACCATGAGCCTGTGTGTAAGTCCTGGCCTTCTCTTCAAAG[G>T]TGATGGCCCGCTCCCTCTCCCCACCCCCGGAGCTGGAAGAAAGGGATGTGGCCGCATACT-3'
Protein context (NP_000539.2, residues 524-544): FNSLLDIIEK[Val534Leu]MARSLSPPPE